The following is an entry in ClinVar:

ClinVar aggregate classification (germline): Likely benign. Review status: criteria provided, multiple submitters, no conflicts (2 of 4 stars). 5 submissions from 5 submitters: Likely benign (5). Last evaluated 2026-03-27.

Conditions:
TTN-related disorder. Also called: TTN-related condition; TTN-related disease; TTN-related disorders.
Autosomal recessive limb-girdle muscular dystrophy type 2J (LGMDR10). Also called: MUSCULAR DYSTROPHY, LIMB-GIRDLE, AUTOSOMAL RECESSIVE 10; Limb-girdle muscular dystrophy, type 2J. Identifiers: Orphanet 140922, MedGen C1837342, MONDO:0012127, OMIM 608807.
Dilated cardiomyopathy 1G (CMD1G). Identifiers: Orphanet 154, MedGen C1858763, MONDO:0011400, OMIM 604145.

Allele frequency attached by ClinVar (database versions not stated): gnomAD exomes 0.00002 and 0.00005; ExAC 0.00007; ESP Exome Variant Server 0.00025; gnomAD 0.00025 and 0.00029; TOPMed 0.00029.
gnomAD v4.1: 66 of 1,613,466 alleles (0.0041%); highest among the groups gnomAD compares: African/African-American, 0.084%; no homozygotes.

Submissions (5):

Molecular Diagnostic Laboratory for Inherited Cardiovascular Disease, Montreal Heart Institute
Classification: Likely benign. Last evaluated: 2026-03-27. Review status: criteria provided, single submitter. Criteria: ACMG Guidelines, 2015. Collection method: clinical testing. Allele origin: germline. Affected: no.
Comment: BP7

Labcorp Genetics (formerly Invitae), Labcorp
Classification: Likely benign for Dilated cardiomyopathy 1G; Autosomal recessive limb-girdle muscular dystrophy type 2J. Last evaluated: 2026-02-01. Review status: criteria provided, single submitter. Criteria: Invitae Variant Classification Sherloc (09022015). Collection method: clinical testing. Allele origin: germline.

PreventionGenetics, part of Exact Sciences
Classification: Likely benign for TTN-related condition. Last evaluated: 2025-05-16. Review status: criteria provided, single submitter. Criteria: ACMG Guidelines, 2015. Collection method: clinical testing. Allele origin: germline.
Comment: This variant is classified as likely benign based on ACMG/AMP sequence variant interpretation guidelines (Richards et al. 2015 PMID: 25741868, with internal and published modifications).

Women's Health and Genetics/Laboratory Corporation of America, LabCorp
Classification: Likely benign. Last evaluated: 2023-06-18. Review status: criteria provided, single submitter. Criteria: LabCorp Variant Classification Summary - May 2015. Collection method: clinical testing. Allele origin: germline.

GeneDx
Classification: Likely benign. Last evaluated: 2018-03-05. Review status: criteria provided, single submitter. Criteria: GeneDx Variant Classification (06012015). Collection method: clinical testing. Allele origin: germline. Affected: yes.
Comment: This variant is considered likely benign or benign based on one or more of the following criteria: it is a conservative change, it occurs at a poorly conserved position in the protein, it is predicted to be benign by multiple in silico algorithms, and/or has population frequency not consistent with disease.

NM_001267550.2(TTN):c.14451A>G (p.Thr4817=)

Gene: TTN (titin; minus strand). Cytogenetic location: 2q31.2.
Variant type: single nucleotide variant.
Coding change: c.14451A>G on transcript NM_001267550.2 (MANE Select); coding-DNA position 14451, A replaced by G.
Protein change: p.Thr4817=; no amino-acid change (threonine 4817 retained).
Molecular consequence: synonymous variant. On other transcripts: intron variant (3).
Genome position (GRCh38, 1-based): chr2:178,735,995, T>C on the plus strand (A>G on the coding strand, the complement: TTN is on the minus strand). VCF-style: chr2-178735995-T-C. GRCh37 (hg19) VCF-style: chr2-179600722-T-C.
Other names: c.13500A>G, p.Thr4500= (NM_001256850.1); c.10719A>G, p.Thr3573= (NM_133378.4); c.13282+2087A>G (NM_003319.4); c.13858+2087A>G (NM_133437.4); c.13657+2087A>G (NM_133432.3).
Identifiers: ClinVar variation 238708 (VCV000238708.14), dbSNP rs370621465, ClinGen allele CA2002395.